The following is an entry in ClinVar:

ClinVar aggregate classification (germline): Pathogenic (1 of 4 stars; one submission).

Allele frequency attached by ClinVar (database versions not stated): TOPMed below 0.00001; gnomAD 0.00001.
gnomAD v4.1: 1 of 1,613,784 alleles (0.000062%); no homozygotes.

Submission:

GeneDx
Classification: Pathogenic. Last evaluated: 2019-10-10. Review status: criteria provided, single submitter. Criteria: GeneDx Variant Classification Process June 2021. Collection method: clinical testing. Allele origin: germline. Affected: yes.
Comment: Nonsense variant predicted to result in protein truncation or nonsense mediated decay in a gene for which loss-of-function is a known mechanism of disease; Not observed in large population cohorts (Lek et al., 2016); This variant is associated with the following publications: (PMID: 25525159, 9443879)

NM_000124.4(ERCC6):c.1551G>A (p.Trp517Ter)

Gene: ERCC6 (ERCC excision repair 6, chromatin remodeling factor; minus strand). Cytogenetic location: 10q11.23.
Variant type: single nucleotide variant.
Coding change: c.1551G>A on transcript NM_000124.4 (MANE Select); coding-DNA position 1551, G replaced by A.
Protein change: p.Trp517Ter; replaces tryptophan 517 with a stop codon.
Molecular consequence: nonsense.
Genome position (GRCh38, 1-based): chr10:49,500,672, C>T on the plus strand (G>A on the coding strand, the complement: ERCC6 is on the minus strand). VCF-style: chr10-49500672-C-T. GRCh37 (hg19) VCF-style: chr10-50708718-C-T.
Other names: c.1551G>A, p.Trp517Ter (NM_001346440.2); short protein forms W517*.
Identifiers: ClinVar variation 523791 (VCV000523791.3), dbSNP rs1554790012, ClinGen allele CA376729169.
Genomic context (GRCh38, chr10:49,500,672, plus strand): 5'-GCCCAATCCCATTTCATCTCCCAGAATTCCTCCTGCCTGCTGGCAGTGCAATTCCCACAG[C>T]CACCTAACACCTGTCTGCTGGTACCTATGACAACAAACACCAACAAGAAAAGAGAAAATG-3'